The following is an entry in ClinVar:

NM_024675.4(PALB2):c.892G>A (p.Val298Ile)

Gene: PALB2 (partner and localizer of BRCA2; minus strand). Cytogenetic location: 16p12.2.
Variant type: single nucleotide variant.
Coding change: c.892G>A on transcript NM_024675.4 (MANE Select); coding-DNA position 892, G replaced by A.
Protein change: p.Val298Ile; replaces valine 298 with isoleucine.
Molecular consequence: missense variant.
Genome position (GRCh38, 1-based): chr16:23,635,654, C>T on the plus strand (G>A on the coding strand, the complement: PALB2 is on the minus strand). VCF-style: chr16-23635654-C-T. GRCh37 (hg19) VCF-style: chr16-23646975-C-T.
Other names: short protein forms V298I.
Identifiers: ClinVar variation 461029 (VCV000461029.24), dbSNP rs1060502765, ClinGen allele CA395135620.

ClinVar aggregate classification (germline): Conflicting classifications of pathogenicity. Review status: criteria provided, conflicting classifications (1 of 4 stars). 5 submissions from 5 submitters: Uncertain significance (4); Likely benign (1). Last evaluated 2025-08-18.

Conditions:
Hereditary cancer-predisposing syndrome. Also called: Neoplastic Syndromes, Hereditary; Hereditary Cancer Syndrome; Hereditary neoplastic syndrome; Tumor predisposition. Identifiers: Orphanet 140162, MedGen C0027672, MeSH D009386, MONDO:0015356.
Breast-ovarian cancer, familial, susceptibility to, 5 (BROVCA5). Identifiers: MedGen C5830615, MONDO:0957530, OMIM 620442.
Familial cancer of breast. Also called: BREAST CANCER, FAMILIAL; Hereditary breast cancer; hereditary breast carcinoma. Identifiers: Orphanet 227535, MedGen C0346153, MONDO:0016419, OMIM 114480. Disease mechanism: loss of function.

Allele frequency attached by ClinVar (database versions not stated): gnomAD 0.00001; gnomAD exomes 0.00001 and 0.00002.
gnomAD v4.1: 14 of 1,613,882 alleles (0.00087%); highest among the groups gnomAD compares: Middle Eastern, 0.033%; no homozygotes.

Submissions (5):

Labcorp Genetics (formerly Invitae), Labcorp
Classification: Uncertain significance for Familial cancer of breast. Last evaluated: 2025-08-18. Review status: criteria provided, single submitter. Criteria: Invitae Variant Classification Sherloc (09022015). Collection method: clinical testing. Allele origin: germline.
Comment: This sequence change replaces valine, which is neutral and non-polar, with isoleucine, which is neutral and non-polar, at codon 298 of the PALB2 protein (p.Val298Ile). This variant is present in population databases (no rsID available, gnomAD 0.01%). This variant has not been reported in the literature in individuals affected with PALB2-related conditions. ClinVar contains an entry for this variant (Variation ID: 461029). Invitae Evidence Modeling of protein sequence and biophysical properties (such as structural, functional, and spatial information, amino acid conservation, physicochemical variation, residue mobility, and thermodynamic stability) indicates that this missense variant is not expected to disrupt PALB2 protein function with a negative predictive value of 80%. In summary, the available evidence is currently insufficient to determine the role of this variant in disease. Therefore, it has been classified as a Variant of Uncertain Significance.

Color Diagnostics, LLC DBA Color Health
Classification: Uncertain significance for Hereditary cancer-predisposing syndrome. Last evaluated: 2024-03-06. Review status: criteria provided, single submitter. Criteria: ACMG Guidelines, 2015. Collection method: clinical testing. Allele origin: germline.
Comment: This missense variant replaces valine with isoleucine at codon 298 of the PALB2 protein. Computational prediction suggests that this variant may not impact protein structure and function (internally defined REVEL score threshold <= 0.5, PMID: 27666373). To our knowledge, functional studies have not been reported for this variant. This variant has not been reported in individuals affected with hereditary cancer in the literature. This variant has been identified in 4/251376 chromosomes in the general population by the Genome Aggregation Database (gnomAD). The available evidence is insufficient to determine the role of this variant in disease conclusively. Therefore, this variant is classified as a Variant of Uncertain Significance.

Department of Pathology and Laboratory Medicine, Sinai Health System
Classification: Uncertain significance for Breast-ovarian cancer, familial, susceptibility to, 5. Last evaluated: 2024-03-05. Review status: criteria provided, single submitter. Criteria: ACMG Guidelines, 2015. Collection method: clinical testing. Allele origin: germline. Affected: yes.

Quest Diagnostics Nichols Institute San Juan Capistrano
Classification: Uncertain significance. Last evaluated: 2020-11-04. Review status: criteria provided, single submitter. Criteria: Quest Diagnostics criteria. Collection method: clinical testing. Allele origin: unknown.

Ambry Genetics
Classification: Likely benign for Hereditary cancer-predisposing syndrome. Last evaluated: 2017-09-07. Review status: criteria provided, single submitter. Criteria: Ambry Variant Classification Scheme 2023. Collection method: clinical testing. Allele origin: germline.